The following is an entry in ClinVar:

ClinVar aggregate classification (germline): Uncertain significance. Review status: criteria provided, multiple submitters, no conflicts (2 of 4 stars). 6 submissions from 6 submitters: Uncertain significance (6). Last evaluated 2025-11-03.

Conditions:
Weill-Marchesani syndrome 2, dominant. Also called: Weill-Marchesani Syndrome, Autosomal Dominant; FBN1-Related Weill-Marchesani Syndrome. Identifiers: Orphanet 2084, MedGen C1869115, MONDO:0012013, OMIM 608328.
Progeroid and marfanoid aspect-lipodystrophy syndrome. Also called: Marfan lipodystrophy syndrome; MARFANOID-PROGEROID SYNDROME; MARFAN-PROGEROID-LIPODYSTROPHY SYNDROME; MARFANOID-PROGEROID-LIPODYSTROPHY SYNDROME. Identifiers: Orphanet 300382, MedGen C4310796, MONDO:0014831, OMIM 616914.
Stiff skin syndrome (SSKS). Identifiers: Orphanet 2833, MedGen C1861456, MONDO:0008492, OMIM 184900.
Acromicric dysplasia (ACMICD). Also called: Acromicric skeletal dysplasia. Identifiers: Orphanet 969, MedGen C0265287, MONDO:0007055, OMIM 102370.
Geleophysic dysplasia 2 (GPHYSD2). Identifiers: Orphanet 2623, MedGen C3280054, MONDO:0013612, OMIM 614185.
Ectopia lentis 1, isolated, autosomal dominant (ECTOL1). Identifiers: Orphanet 1885, MedGen C3541518, MONDO:0007514, OMIM 129600.
Marfan syndrome (MFS). Also called: FBN1-Related Marfan Syndrome; Marfan syndrome type 1; Marfan's syndrome; Marfan syndrome, classic; MARFAN SYNDROME, TYPE I. Identifiers: Orphanet 284963, Orphanet 558, MedGen C0024796, MONDO:0007947, OMIM 154700.
MASS syndrome (OCTD). Also called: MASS PHENOTYPE; OVERLAP CONNECTIVE TISSUE DISEASE. Identifiers: MedGen C1858556, MONDO:0011431, OMIM 604308.
Familial thoracic aortic aneurysm and aortic dissection (TAAD). Also called: Thoracic aortic aneurysms and dissections. Identifiers: Orphanet 91387, MedGen C4707243, MONDO:0019625.

gnomAD v4.1: 4 of 1,614,224 alleles (0.00025%); highest among the groups gnomAD compares: Non-Finnish European, 0.00034%; no homozygotes.

Submissions (6):

Color Diagnostics, LLC DBA Color Health
Classification: Uncertain significance for Familial thoracic aortic aneurysm and aortic dissection. Last evaluated: 2025-11-03. Review status: criteria provided, single submitter. Criteria: ACMG Guidelines, 2015. Collection method: clinical testing. Allele origin: germline.
Comment: Variant of Uncertain Significance due to insufficient evidence: This missense variant replaces valine with phenylalanine at codon 2687 of the FBN1 protein. Computational prediction tools and conservation analyses are inconclusive regarding the impact of this variant on the protein function. Computational splicing tools suggest that this variant may not impact RNA splicing. To our knowledge, functional assays have not been performed for this variant nor has this variant been reported in individuals affected with cardiovascular disorders in the literature. This variant has not been identified in the general population by the Genome Aggregation Database (gnomAD). Available evidence is insufficient to determine the role of this variant in disease conclusively.

GeneDx
Classification: Uncertain significance. Last evaluated: 2024-12-23. Review status: criteria provided, single submitter. Criteria: GeneDx Variant Classification Process June 2021. Collection method: clinical testing. Allele origin: germline. Affected: yes.
Comment: Not observed at significant frequency in large population cohorts (gnomAD); In silico analysis supports that this missense variant has a deleterious effect on protein structure/function; Has not been previously published as pathogenic or benign to our knowledge; Does not affect a cysteine or calcium-binding residue within an EGF-like domain or a TGF-binding protein domain of the FBN1 gene; cysteine substitutions in the EGF-like domains represent the majority of pathogenic missense changes associated with FBN1-related disorders (PMID: 12938084); This variant is associated with the following publications: (PMID: 12938084)

All of Us Research Program, National Institutes of Health
Classification: Uncertain significance for Marfan syndrome. Last evaluated: 2024-08-06. Review status: criteria provided, single submitter. Criteria: ACMG Guidelines, 2015. Collection method: clinical testing. Allele origin: germline. Inheritance: Autosomal dominant inheritance. Observed: 1 variant allele, 1 heterozygote.
Comment: Variant of Uncertain Significance due to insufficient evidence: This missense variant replaces valine with phenylalanine at codon 2687 of the FBN1 protein. Computational prediction tools and conservation analyses are inconclusive regarding the impact of this variant on the protein function. Computational splicing tools suggest that this variant may not impact RNA splicing. To our knowledge, functional assays have not been performed for this variant nor has this variant been reported in individuals affected with cardiovascular disorders in the literature. This variant has not been identified in the general population by the Genome Aggregation Database (gnomAD). Available evidence is insufficient to determine the role of this variant in disease conclusively.

This study involves interpretation of variants in research participants for the purpose of population health screening. Participant phenotype was not available at the time of variant classification. Additional details can be found in publication PMID: 35346344, PMCID: PMC8962531

Labcorp Genetics (formerly Invitae), Labcorp
Classification: Uncertain significance for Marfan syndrome; Familial thoracic aortic aneurysm and aortic dissection. Last evaluated: 2023-11-21. Review status: criteria provided, single submitter. Criteria: Invitae Variant Classification Sherloc (09022015). Collection method: clinical testing. Allele origin: germline.
Comment: This sequence change replaces valine, which is neutral and non-polar, with phenylalanine, which is neutral and non-polar, at codon 2687 of the FBN1 protein (p.Val2687Phe). This variant is not present in population databases (gnomAD no frequency). This variant has not been reported in the literature in individuals affected with FBN1-related conditions. ClinVar contains an entry for this variant (Variation ID: 652442). Advanced modeling of protein sequence and biophysical properties (such as structural, functional, and spatial information, amino acid conservation, physicochemical variation, residue mobility, and thermodynamic stability) performed at Invitae indicates that this missense variant is expected to disrupt FBN1 protein function with a positive predictive value of 95%. In summary, the available evidence is currently insufficient to determine the role of this variant in disease. Therefore, it has been classified as a Variant of Uncertain Significance.

Fulgent Genetics
Classification: Uncertain significance for Acromicric dysplasia; Ectopia lentis 1, isolated, autosomal dominant; Marfan syndrome; Stiff skin syndrome; MASS syndrome; Weill-Marchesani syndrome 2, dominant; Geleophysic dysplasia 2; Progeroid and marfanoid aspect-lipodystrophy syndrome. Last evaluated: 2021-10-13. Review status: criteria provided, single submitter. Criteria: ACMG Guidelines, 2015. Collection method: clinical testing. Allele origin: unknown.

Ambry Genetics
Classification: Uncertain significance for Familial thoracic aortic aneurysm and aortic dissection. Last evaluated: 2019-05-09. Review status: criteria provided, single submitter. Criteria: Ambry Variant Classification Scheme 2023. Collection method: clinical testing. Allele origin: germline.
Comment: The p.V2687F variant (also known as c.8059G>T), located in coding exon 64 of the FBN1 gene, results from a G to T substitution at nucleotide position 8059. The valine at codon 2687 is replaced by phenylalanine, an amino acid with highly similar properties, and is located in the cbEGF-like #43 domain. This amino acid position is highly conserved in available vertebrate species. In addition, this alteration is predicted to be deleterious by in silico analysis. Since supporting evidence is conflicting at this time, the clinical significance of this alteration remains unclear.

NM_000138.5(FBN1):c.8059G>T (p.Val2687Phe)

Gene: FBN1 (fibrillin 1; minus strand). Cytogenetic location: 15q21.1.
Variant type: single nucleotide variant.
Coding change: c.8059G>T on transcript NM_000138.5 (MANE Select); coding-DNA position 8059, G replaced by T.
Protein change: p.Val2687Phe; replaces valine 2687 with phenylalanine.
Molecular consequence: missense variant.
Genome position (GRCh38, 1-based): chr15:48,412,736, C>A on the plus strand (G>T on the coding strand, the complement: FBN1 is on the minus strand). VCF-style: chr15-48412736-C-A. GRCh37 (hg19) VCF-style: chr15-48704933-C-A.
Other names: short protein forms V2687F.
Identifiers: ClinVar variation 652442 (VCV000652442.20), dbSNP rs1464168530, ClinGen allele CA392321642.
Genomic context (GRCh38, chr15:48,412,736, plus strand): 5'-CATCCATTTCACCACTGACAGGTGGCTCTGGGTTTCCTCGGCCCATGCCCATTCCAGAAA[C>A]ACAGTGCCTGCAGCAGAAGGGGAGCATAGATGTTTTTCATTAGAATGGGAAGACAAGGTA-3'
Protein context (NP_000129.3, residues 2677-2697): GYFRIGQGHC[Val2687Phe]SGMGMGRGNP